The following is an entry in ClinVar:

ClinVar aggregate classification (germline): Uncertain significance. Review status: criteria provided, multiple submitters, no conflicts (2 of 4 stars). 4 submissions from 4 submitters: Uncertain significance (4). Last evaluated 2024-10-15.

Conditions:
Asphyxiating thoracic dystrophy 3. Also called: SHORT-RIB THORACIC DYSPLASIA 3 WITH OR WITHOUT POLYDACTYLY; POLYDACTYLY WITH NEONATAL CHONDRODYSTROPHY, TYPE I; SHORT-RIB THORACIC DYSPLASIA 3/6 WITH POLYDACTYLY, DIGENIC; Short rib polydactyly syndrome 2B; Saldino-Noonan Syndrome. Identifiers: Orphanet 474, Orphanet 93269, Orphanet 93270, Orphanet 93271, MedGen C0036069, MONDO:0013127, OMIM 613091.
Jeune thoracic dystrophy. Also called: Infantile thoracic dystrophy; Thoracic pelvic phalangeal dystrophy; Jeune's syndrome; Chondroectodermal dysplasia-like syndrome; Short-rib thoracic dysplasia; Jeune syndrome. Identifiers: Orphanet 474, MedGen C0265275, MONDO:0018770.

Allele frequency attached by ClinVar (database versions not stated): ExAC 0.00002; gnomAD 0.00004; gnomAD exomes 0.00004 and 0.00005; TOPMed 0.00006.
gnomAD v4.1: 66 of 1,610,318 alleles (0.0041%); highest among the groups gnomAD compares: Middle Eastern, 0.066%; no homozygotes.

Submissions (4):

Blueprint Genetics
Classification: Uncertain significance. Last evaluated: 2024-10-15. Review status: criteria provided, single submitter. Criteria: ACMG Guidelines, 2015. Collection method: clinical testing. Allele origin: germline.

Labcorp Genetics (formerly Invitae), Labcorp
Classification: Uncertain significance for Jeune thoracic dystrophy. Last evaluated: 2024-01-22. Review status: criteria provided, single submitter. Criteria: Invitae Variant Classification Sherloc (09022015). Collection method: clinical testing. Allele origin: germline.
Comment: This sequence change replaces aspartic acid, which is acidic and polar, with histidine, which is basic and polar, at codon 131 of the DYNC2H1 protein (p.Asp131His). This variant is present in population databases (rs759690887, gnomAD 0.01%). This variant has not been reported in the literature in individuals affected with DYNC2H1-related conditions. ClinVar contains an entry for this variant (Variation ID: 302002). Advanced modeling of protein sequence and biophysical properties (such as structural, functional, and spatial information, amino acid conservation, physicochemical variation, residue mobility, and thermodynamic stability) performed at Invitae indicates that this missense variant is expected to disrupt DYNC2H1 protein function with a positive predictive value of 80%. In summary, the available evidence is currently insufficient to determine the role of this variant in disease. Therefore, it has been classified as a Variant of Uncertain Significance.

Illumina Laboratory Services, Illumina
Classification: Uncertain significance for Asphyxiating thoracic dystrophy 3. Last evaluated: 2018-01-12. Review status: criteria provided, single submitter. Criteria: ICSL Variant Classification Criteria 13 December 2019. Collection method: clinical testing. Allele origin: germline.

Breakthrough Genomics
Classification: Uncertain significance. Review status: criteria provided, single submitter. Criteria: ACMG Guidelines, 2015. Collection method: not provided. Allele origin: germline. Inheritance: Autosomal recessive inheritance. Affected: yes.

NM_001377.3(DYNC2H1):c.391G>C (p.Asp131His)

Gene: DYNC2H1 (dynein cytoplasmic 2 heavy chain 1; plus strand). Cytogenetic location: 11q22.3.
Variant type: single nucleotide variant.
Coding change: c.391G>C on transcript NM_001377.3 (MANE Select); coding-DNA position 391, G replaced by C.
Protein change: p.Asp131His; replaces aspartic acid 131 with histidine.
Molecular consequence: missense variant.
Genome position (GRCh38, 1-based): chr11:103,114,127, G>C. VCF-style: chr11-103114127-G-C. GRCh37 (hg19) VCF-style: chr11-102984856-G-C.
Other names: c.391G>C, p.Asp131His (NM_001080463.2); short protein forms D131H.
Identifiers: ClinVar variation 302002 (VCV000302002.10), dbSNP rs759690887, ClinGen allele CA6252486.
Genomic context (GRCh38, chr11:103,114,127, plus strand): 5'-GATCAATCTTGGTTGCTCTTGTCTGTTTTTATTTAGGATCAGGAATGGAGCAGAAACTTT[G>C]ATCCCAAACTTCAGAATCTTTTGAGTGAACTAGAAGCTGGGTTGGGTATAGTTCTACGAA-3'
Protein context (NP_001368.2, residues 121-141): LKDQEWSRNF[Asp131His]PKLQNLLSEL